The following is an entry in ClinVar:

ClinVar aggregate classification (germline): Benign/Likely benign. Review status: criteria provided, multiple submitters, no conflicts (2 of 4 stars). 3 submissions from 3 submitters: Benign (1); Likely benign (2). Last evaluated 2024-06-25.

Conditions:
Hereditary cancer-predisposing syndrome. Also called: Tumor predisposition; Hereditary Cancer Syndrome; Neoplastic Syndromes, Hereditary; Hereditary neoplastic syndrome. Identifiers: Orphanet 140162, MedGen C0027672, MeSH D009386, MONDO:0015356.
Oligodontia-cancer predisposition syndrome. Also called: TOOTH AGENESIS-COLORECTAL CANCER SYNDROME. Identifiers: Orphanet 300576, MedGen C1837750, MONDO:0012075, OMIM 608615. Disease mechanism: loss of function.

Allele frequency attached by ClinVar (database versions not stated): gnomAD exomes below 0.00001; gnomAD 0.00001.
gnomAD v4.1: 3 of 1,600,228 alleles (0.00019%); highest among the groups gnomAD compares: South Asian, 0.0011%; no homozygotes.

Submissions (3):

Myriad Genetics, Inc.
Classification: Benign for Oligodontia-cancer predisposition syndrome. Last evaluated: 2024-06-25. Review status: criteria provided, single submitter. Criteria: Myriad Autosomal Dominant, Autosomal Recessive and X-Linked Classification Criteria (2023). Collection method: clinical testing. Allele origin: unknown.
Comment: This variant is considered benign. This variant is a silent/synonymous amino acid change and it is not expected to impact splicing.

Labcorp Genetics (formerly Invitae), Labcorp
Classification: Likely benign for Oligodontia-cancer predisposition syndrome. Last evaluated: 2023-08-22. Review status: criteria provided, single submitter. Criteria: Invitae Variant Classification Sherloc (09022015). Collection method: clinical testing. Allele origin: germline.

Ambry Genetics
Classification: Likely benign for Hereditary cancer-predisposing syndrome. Last evaluated: 2020-01-15. Review status: criteria provided, single submitter. Criteria: Ambry Variant Classification Scheme 2023. Collection method: clinical testing. Allele origin: germline.

NM_004655.4(AXIN2):c.189G>A (p.Gly63=)

Gene: AXIN2 (axin 2; minus strand). Cytogenetic location: 17q24.1.
Variant type: single nucleotide variant.
Coding change: c.189G>A on transcript NM_004655.4 (MANE Select); coding-DNA position 189, G replaced by A.
Protein change: p.Gly63=; no amino-acid change (glycine 63 retained).
Molecular consequence: synonymous variant.
Genome position (GRCh38, 1-based): chr17:65,558,432, C>T on the plus strand (G>A on the coding strand, the complement: AXIN2 is on the minus strand). VCF-style: chr17-65558432-C-T. GRCh37 (hg19) VCF-style: chr17-63554550-C-T.
Other names: c.189G>A, p.Gly63= (NM_001363813.1).
Identifiers: ClinVar variation 1109935 (VCV001109935.12), dbSNP rs2044307748, ClinGen allele CA501691489.
Genomic context (GRCh38, chr17:65,558,432, plus strand): 5'-GTGTAAGGACTTGGTCCACCGGGTCAGAGGGGAATCCGGAGATGCCCGCCCCTCCGGCTC[C>T]CCCAACCCATCTTCGTTCCGCCTGGTGTTGGAAGAGACAGGCATGGGTTTGGTGACCTGG-3'
Protein context (NP_004646.3, residues 53-73): SNTRRNEDGL[Gly63=]EPEGRASPDS